The following is an entry in ClinVar:

NM_017654.4(SAMD9):c.3191A>G (p.Asn1064Ser)

Gene: SAMD9 (sterile alpha motif domain containing 9; minus strand). Cytogenetic location: 7q21.2.
Variant type: single nucleotide variant.
Coding change: c.3191A>G on transcript NM_017654.4 (MANE Select); coding-DNA position 3191, A replaced by G.
Protein change: p.Asn1064Ser; replaces asparagine 1064 with serine.
Molecular consequence: missense variant.
Genome position (GRCh38, 1-based): chr7:93,102,907, T>C on the plus strand (A>G on the coding strand, the complement: SAMD9 is on the minus strand). VCF-style: chr7-93102907-T-C. GRCh37 (hg19) VCF-style: chr7-92732220-T-C.
Other names: c.3191A>G, p.Asn1064Ser (NM_001193307.2); c.3191A>G (NM_017654.3); short protein forms N1064S.
Identifiers: ClinVar variation 2863245 (VCV002863245.4), dbSNP rs1050904688, ClinGen allele CA161990765.

ClinVar aggregate classification (germline): Uncertain significance. Review status: criteria provided, multiple submitters, no conflicts (2 of 4 stars). 2 submissions from 2 submitters: Uncertain significance (2). Last evaluated 2025-08-19.

Conditions:
Inborn genetic diseases. Identifiers: MedGen C0950123, MeSH D030342.

Allele frequency attached by ClinVar (database versions not stated): TOPMed 0.00001.

Submissions (2):

Ambry Genetics
Classification: Uncertain significance for Inborn genetic diseases. Last evaluated: 2025-08-19. Review status: criteria provided, single submitter. Criteria: Ambry Variant Classification Scheme 2023. Collection method: clinical testing. Allele origin: germline.
Comment: The p.N1064S variant (also known as c.3191A>G), located in coding exon 1 of the SAMD9 gene, results from an A to G substitution at nucleotide position 3191. The asparagine at codon 1064 is replaced by serine, an amino acid with highly similar properties. This amino acid position is conserved. In addition, this alteration is predicted to be tolerated by in silico analysis. Based on the available evidence, the clinical significance of this variant remains unclear.

Labcorp Genetics (formerly Invitae), Labcorp
Classification: Uncertain significance. Last evaluated: 2023-05-11. Review status: criteria provided, single submitter. Criteria: Invitae Variant Classification Sherloc (09022015). Collection method: clinical testing. Allele origin: germline.
Comment: This variant is not present in population databases (gnomAD no frequency). This sequence change replaces asparagine, which is neutral and polar, with serine, which is neutral and polar, at codon 1064 of the SAMD9 protein (p.Asn1064Ser). In summary, the available evidence is currently insufficient to determine the role of this variant in disease. Therefore, it has been classified as a Variant of Uncertain Significance. Advanced modeling of protein sequence and biophysical properties (such as structural, functional, and spatial information, amino acid conservation, physicochemical variation, residue mobility, and thermodynamic stability) has been performed at Invitae for this missense variant, however the output from this modeling did not meet the statistical confidence thresholds required to predict the impact of this variant on SAMD9 protein function. This variant has not been reported in the literature in individuals affected with SAMD9-related conditions.